The following is an entry in ClinVar:

NM_001098816.3(TENM4):c.41G>A (p.Arg14Gln)

Gene: TENM4 (teneurin transmembrane protein 4; minus strand). Cytogenetic location: 11q14.1.
Variant type: single nucleotide variant.
Coding change: c.41G>A on transcript NM_001098816.3 (MANE Select); coding-DNA position 41, G replaced by A.
Protein change: p.Arg14Gln; replaces arginine 14 with glutamine.
Molecular consequence: missense variant.
Genome position (GRCh38, 1-based): chr11:79,069,904, C>T on the plus strand (G>A on the coding strand, the complement: TENM4 is on the minus strand). VCF-style: chr11-79069904-C-T. GRCh37 (hg19) VCF-style: chr11-78780949-C-T.
Other names: p.Arg14Gln; short protein forms R14Q.
Identifiers: ClinVar variation 710824 (VCV000710824.33), dbSNP rs58537389, ClinGen allele CA6207725.

ClinVar aggregate classification (germline): Benign/Likely benign. Review status: criteria provided, multiple submitters, no conflicts (2 of 4 stars). 7 submissions from 7 submitters: Benign (3); Likely benign (3). 1 of the submissions does not count toward it. Last evaluated 2025-10-21.

Conditions:
TENM4-related disorder. Also called: TENM4-related condition.

Allele frequency attached by ClinVar (database versions not stated): gnomAD exomes 0.00112 and 0.00208; ExAC 0.00252; ESP Exome Variant Server 0.00285; gnomAD 0.00472 and 0.00493; 1000 Genomes Project 0.00499; TOPMed 0.00545; 1000 Genomes Project 30x 0.00609.

Submissions (7):

Mayo Clinic Laboratories, Mayo Clinic
Classification: Likely benign. Last evaluated: 2025-10-21. Review status: criteria provided, single submitter. Criteria: ACMG Guidelines, 2015. Collection method: clinical testing. Allele origin: germline. Observed: 3 variant alleles.
Comment: BS2, BP4_moderate

Genomic Medicine Center of Excellence, King Faisal Specialist Hospital and Research Centre
Classification: Likely benign. Last evaluated: 2025-08-18. Review status: criteria provided, single submitter. Criteria: ACMG Guidelines, 2015. Collection method: clinical testing. Allele origin: germline.

CeGaT Center for Human Genetics Tuebingen
Classification: Benign. Last evaluated: 2025-08-01. Review status: criteria provided, single submitter. Criteria: CeGaT Center For Human Genetics Tuebingen Variant Classification Criteria Version 2. Collection method: clinical testing. Allele origin: germline. Affected: yes. Observed: 2 variant alleles.
Comment: TENM4: BS1, BS2

Blueprint Genetics
Classification: Likely benign. Last evaluated: 2024-11-08. Review status: criteria provided, single submitter. Criteria: ACMG Guidelines, 2015. Collection method: clinical testing. Allele origin: germline.

Labcorp Genetics (formerly Invitae), Labcorp
Classification: Benign. Last evaluated: 2019-12-31. Review status: criteria provided, single submitter. Criteria: Invitae Variant Classification Sherloc (09022015). Collection method: clinical testing. Allele origin: germline.

Breakthrough Genomics
Classification: Benign. Review status: criteria provided, single submitter. Criteria: ACMG Guidelines, 2015. Collection method: not provided. Allele origin: germline. Inheritance: Autosomal dominant inheritance. Affected: yes.

PreventionGenetics, part of Exact Sciences
Classification: Benign for TENM4-related condition. Last evaluated: 2023-12-08. Review status: no assertion criteria provided. Collection method: clinical testing. Allele origin: germline. Not counted in ClinVar's aggregate classification.
Comment: This variant is classified as benign based on ACMG/AMP sequence variant interpretation guidelines (Richards et al. 2015 PMID: 25741868, with internal and published modifications).